The following is an entry in ClinVar:

NM_001292034.3(TAB2):c.566G>A (p.Arg189His)

Gene: TAB2 (TGF-beta activated kinase 1 (MAP3K7) binding protein 2; plus strand). Cytogenetic location: 6q25.1.
Variant type: single nucleotide variant.
Coding change: c.566G>A on transcript NM_001292034.3 (MANE Select); coding-DNA position 566, G replaced by A.
Protein change: p.Arg189His; replaces arginine 189 with histidine.
Molecular consequence: missense variant.
Genome position (GRCh38, 1-based): chr6:149,378,481, G>A. VCF-style: chr6-149378481-G-A. GRCh37 (hg19) VCF-style: chr6-149699617-G-A.
Other names: c.470G>A, p.Arg157His (NM_001292035.3); c.566G>A, p.Arg189His (NM_001369506.1, NM_015093.6); short protein forms R157H, R189H.
Identifiers: ClinVar variation 1428421 (VCV001428421.10), dbSNP rs369027697, ClinGen allele CA4041417.

ClinVar aggregate classification (germline): Conflicting classifications of pathogenicity. Review status: criteria provided, conflicting classifications (1 of 4 stars). 4 submissions from 4 submitters: Uncertain significance (3); Likely benign (1). Last evaluated 2025-02-01.

Conditions:
Inborn genetic diseases. Identifiers: MedGen C0950123, MeSH D030342.

Allele frequency attached by ClinVar (database versions not stated): ExAC 0.00003; gnomAD 0.00003; gnomAD exomes 0.00003; TOPMed 0.00005; ESP Exome Variant Server 0.00008; 1000 Genomes Project 30x 0.00016; 1000 Genomes Project 0.00020.
gnomAD v4.1: 52 of 1,614,122 alleles (0.0032%); highest among the groups gnomAD compares: African/African-American, 0.013%; no homozygotes.

Submissions (4):

Labcorp Genetics (formerly Invitae), Labcorp
Classification: Uncertain significance. Last evaluated: 2025-02-01. Review status: criteria provided, single submitter. Criteria: Invitae Variant Classification Sherloc (09022015). Collection method: clinical testing. Allele origin: germline.
Comment: This sequence change replaces arginine, which is basic and polar, with histidine, which is basic and polar, at codon 189 of the TAB2 protein (p.Arg189His). This variant is present in population databases (rs369027697, gnomAD 0.009%). This variant has not been reported in the literature in individuals affected with TAB2-related conditions. ClinVar contains an entry for this variant (Variation ID: 1428421). Invitae Evidence Modeling of protein sequence and biophysical properties (such as structural, functional, and spatial information, amino acid conservation, physicochemical variation, residue mobility, and thermodynamic stability) indicates that this missense variant is not expected to disrupt TAB2 protein function with a negative predictive value of 80%. In summary, the available evidence is currently insufficient to determine the role of this variant in disease. Therefore, it has been classified as a Variant of Uncertain Significance.

Blueprint Genetics
Classification: Likely benign. Last evaluated: 2023-11-27. Review status: criteria provided, single submitter. Criteria: ACMG Guidelines, 2015. Collection method: clinical testing. Allele origin: germline.

GeneDx
Classification: Uncertain significance. Last evaluated: 2022-12-05. Review status: criteria provided, single submitter. Criteria: GeneDx Variant Classification Process June 2021. Collection method: clinical testing. Allele origin: germline. Affected: yes.
Comment: Has not been previously published as pathogenic or benign to our knowledge; In silico analysis supports that this missense variant does not alter protein structure/function

Ambry Genetics
Classification: Uncertain significance for Inborn genetic diseases. Last evaluated: 2021-08-13. Review status: criteria provided, single submitter. Criteria: Ambry Variant Classification Scheme 2023. Collection method: clinical testing. Allele origin: germline.